The following is an entry in ClinVar:

NM_001191057.4(PDE1C):c.2061C>A (p.Tyr687Ter)

Gene: PDE1C (phosphodiesterase 1C; minus strand). Cytogenetic location: 7p14.3.
Variant type: single nucleotide variant.
Coding change: c.2061C>A on transcript NM_001191057.4 (MANE Select); coding-DNA position 2061, C replaced by A.
Protein change: p.Tyr687Ter; replaces tyrosine 687 with a stop codon.
Molecular consequence: nonsense.
Genome position (GRCh38, 1-based): chr7:31,753,453, G>T on the plus strand (C>A on the coding strand, the complement: PDE1C is on the minus strand). VCF-style: chr7-31753453-G-T. GRCh37 (hg19) VCF-style: chr7-31793067-G-T.
Other names: c.2241C>A, p.Tyr747Ter (NM_001191058.4); c.2061C>A, p.Tyr687Ter (NM_001191059.4, NM_001322055.2); c.2241C>A (NM_001191058.3); short protein forms Y687*, Y747*.
Identifiers: ClinVar variation 3250394 (VCV003250394.2), dbSNP rs368406121.

ClinVar aggregate classification (germline): Conflicting classifications of pathogenicity. Review status: criteria provided, conflicting classifications (1 of 4 stars). 2 submissions from 2 submitters: Likely pathogenic (1); Uncertain significance (1). Last evaluated 2026-03-25.

Conditions:
PDE1C-related disorder. Also called: PDE1C-related condition.
Hearing loss, autosomal dominant 74. Also called: DEAFNESS, AUTOSOMAL DOMINANT 74. Identifiers: MedGen C4748334, MONDO:0029137, OMIM 618140.

Allele frequency attached by ClinVar (database versions not stated): ExAC 0.00003; TOPMed 0.00003; gnomAD 0.00005; ESP Exome Variant Server 0.00017.
gnomAD v4.1: 77 of 1,612,548 alleles (0.0048%); highest among the groups gnomAD compares: Middle Eastern, 0.016%; no homozygotes.

Submissions (2):

PreventionGenetics, part of Exact Sciences
Classification: Uncertain significance for PDE1C-related condition. Last evaluated: 2026-03-25. Review status: criteria provided, single submitter. Criteria: ACMG Guidelines, 2015. Collection method: clinical testing. Allele origin: germline.
Comment: The PDE1C c.2241C>A variant is predicted to result in premature protein termination (p.Tyr747*). To our knowledge, this variant has not been reported in the literature. This variant is reported in 0.0086% of alleles in individuals of Latino descent in gnomAD. At this time, the clinical significance of this variant is uncertain due to the absence of conclusive functional and genetic evidence.

Laboratory of Prof. Karen Avraham, Tel Aviv University
Classification: Likely pathogenic for Hearing loss, autosomal dominant 74. Last evaluated: 2024-06-05. Review status: criteria provided, single submitter. Criteria: ACMG Guidelines, 2015. Collection method: research. Allele origin: germline. Affected: yes. Observed: 1 variant allele.
Comment: A very rare nonsense variant in a known dominant deafness gene

DFNA74; sloping audiogram mild-to-profound HL